The following is an entry in ClinVar:

ClinVar aggregate classification (germline): Uncertain significance (1 of 4 stars; one submission).

gnomAD v4.1: 4 of 1,614,052 alleles (0.00025%); highest among the groups gnomAD compares: Non-Finnish European, 0.00034%; no homozygotes.

Submission:

GeneDx
Classification: Uncertain significance. Last evaluated: 2024-04-04. Review status: criteria provided, single submitter. Criteria: GeneDx Variant Classification Process June 2021. Collection method: clinical testing. Allele origin: germline. Affected: yes.
Comment: Nonsense variant predicted to result in protein truncation or nonsense mediated decay in a gene or region of a gene for which loss of function is not a well-established mechanism of disease; Has not been previously published as pathogenic or benign to our knowledge; Not observed at significant frequency in large population cohorts (gnomAD)

NM_014633.5(CTR9):c.1315C>T (p.Arg439Ter)

Genes: CTR9 (CTR9 homolog, Paf1/RNA polymerase II complex component; plus strand), LOC126861140 (CDK7 strongly-dependent group 2 enhancer GRCh37_chr11:10785333-10786532; plus strand). Cytogenetic location: 11p15.4.
Variant type: single nucleotide variant.
Coding change: c.1315C>T on transcript NM_014633.5 (MANE Select); coding-DNA position 1315, C replaced by T.
Protein change: p.Arg439Ter; replaces arginine 439 with a stop codon.
Molecular consequence: nonsense.
Genome position (GRCh38, 1-based): chr11:10,764,338, C>T. VCF-style: chr11-10764338-C-T. GRCh37 (hg19) VCF-style: chr11-10785885-C-T.
Other names: c.1315C>T, p.Arg439Ter (NM_001346279.2); short protein forms R439*.
Identifiers: ClinVar variation 3372109 (VCV003372109.1).